The following is an entry in ClinVar:

ClinVar aggregate classification (germline): Uncertain significance (1 of 4 stars; one submission).

Conditions:
Hyperaldosteronism, familial, type IV (HALD4). Also called: FH IV; ALDOSTERONISM, PRIMARY, AND HYPERTENSION. Identifiers: Orphanet 642671, MedGen C4310756, MONDO:0014875, OMIM 617027.
Idiopathic generalized epilepsy. Also called: EIG; Generalised epilepsy. Identifiers: MedGen C0270850, MONDO:0005579, OMIM 600669.

Submission:

Labcorp Genetics (formerly Invitae), Labcorp
Classification: Uncertain significance for Idiopathic generalized epilepsy; Hyperaldosteronism, familial, type IV. Last evaluated: 2023-05-16. Review status: criteria provided, single submitter. Criteria: Invitae Variant Classification Sherloc (09022015). Collection method: clinical testing. Allele origin: germline.
Comment: In summary, the available evidence is currently insufficient to determine the role of this variant in disease. Therefore, it has been classified as a Variant of Uncertain Significance. Advanced modeling of protein sequence and biophysical properties (such as structural, functional, and spatial information, amino acid conservation, physicochemical variation, residue mobility, and thermodynamic stability) performed at Invitae indicates that this missense variant is not expected to disrupt CACNA1H protein function. This variant has not been reported in the literature in individuals affected with CACNA1H-related conditions. This variant is not present in population databases (gnomAD no frequency). This sequence change replaces cysteine, which is neutral and slightly polar, with tyrosine, which is neutral and polar, at codon 2256 of the CACNA1H protein (p.Cys2256Tyr).

NM_021098.3(CACNA1H):c.6767G>A (p.Cys2256Tyr)

Gene: CACNA1H (calcium voltage-gated channel subunit alpha1 H; plus strand). Cytogenetic location: 16p13.3.
Variant type: single nucleotide variant.
Coding change: c.6767G>A on transcript NM_021098.3 (MANE Select); coding-DNA position 6767, G replaced by A.
Protein change: p.Cys2256Tyr; replaces cysteine 2256 with tyrosine.
Molecular consequence: missense variant.
Genome position (GRCh38, 1-based): chr16:1,220,699, G>A. VCF-style: chr16-1220699-G-A. GRCh37 (hg19) VCF-style: chr16-1270699-G-A.
Other names: c.6749G>A, p.Cys2250Tyr (NM_001005407.2); short protein forms C2256Y, C2250Y.
Identifiers: ClinVar variation 2947813 (VCV002947813.3), dbSNP rs2548739589, ClinGen allele CA394150565.